The following is an entry in ClinVar:

ClinVar aggregate classification (germline): Uncertain significance (1 of 4 stars; one submission).

Conditions:
Inborn genetic diseases. Identifiers: MedGen C0950123, MeSH D030342.

gnomAD v4.1: 2 of 1,607,016 alleles (0.00012%); highest among the groups gnomAD compares: Non-Finnish European, 0.000085%; no homozygotes.

Submission:

Ambry Genetics
Classification: Uncertain significance for Inborn genetic diseases. Last evaluated: 2025-02-09. Review status: criteria provided, single submitter. Criteria: Ambry Variant Classification Scheme 2023. Collection method: clinical testing. Allele origin: germline.
Comment: The p.S1349P variant (also known as c.4045T>C), located in coding exon 14 of the FANCM gene, results from a T to C substitution at nucleotide position 4045. The serine at codon 1349 is replaced by proline, an amino acid with similar properties. This amino acid position is conserved. In addition, this alteration is predicted to be tolerated by in silico analysis. Based on the available evidence, the clinical significance of this variant remains unclear.

NM_020937.4(FANCM):c.4045T>C (p.Ser1349Pro)

Gene: FANCM (FA complementation group M; plus strand). Cytogenetic location: 14q21.2.
Variant type: single nucleotide variant.
Coding change: c.4045T>C on transcript NM_020937.4 (MANE Select); coding-DNA position 4045, T replaced by C.
Protein change: p.Ser1349Pro; replaces serine 1349 with proline.
Molecular consequence: missense variant.
Genome position (GRCh38, 1-based): chr14:45,176,799, T>C. VCF-style: chr14-45176799-T-C. GRCh37 (hg19) VCF-style: chr14-45646002-T-C.
Other names: c.3967T>C, p.Ser1323Pro (NM_001308133.2); short protein forms S1349P, S1323P.
Identifiers: ClinVar variation 3848714 (VCV003848714.1).